The following is an entry in ClinVar:

ClinVar aggregate classification (germline): Likely benign. Review status: criteria provided, multiple submitters, no conflicts (2 of 4 stars). 3 submissions from 3 submitters: Likely benign (2). 1 of the submissions does not count toward it. Last evaluated 2026-04-01.

Conditions:
PLXNA1-related disorder. Also called: PLXNA1-related condition.

Allele frequency attached by ClinVar (database versions not stated): 1000 Genomes Project 0.00060; 1000 Genomes Project 30x 0.00062; ExAC 0.00125.
gnomAD v4.1: 417 of 1,541,526 alleles (0.027%); highest among the groups gnomAD compares: African/African-American, 0.44%; no homozygotes.

Submissions (3):

CeGaT Center for Human Genetics Tuebingen
Classification: Likely benign. Last evaluated: 2026-04-01. Review status: criteria provided, single submitter. Criteria: CeGaT Center For Human Genetics Tuebingen Variant Classification Criteria Version 2. Collection method: clinical testing. Allele origin: germline. Affected: yes. Observed: 1 variant allele.
Comment: PLXNA1: BP4

Labcorp Genetics (formerly Invitae), Labcorp
Classification: Likely benign. Last evaluated: 2025-10-13. Review status: criteria provided, single submitter. Criteria: Invitae Variant Classification Sherloc (09022015). Collection method: clinical testing. Allele origin: germline.

PreventionGenetics, part of Exact Sciences
Classification: Likely benign for PLXNA1-related condition. Last evaluated: 2022-01-25. Review status: no assertion criteria provided. Collection method: clinical testing. Allele origin: germline. Not counted in ClinVar's aggregate classification.
Comment: This variant is classified as likely benign based on ACMG/AMP sequence variant interpretation guidelines (Richards et al. 2015 PMID: 25741868, with internal and published modifications).

NM_032242.4(PLXNA1):c.16C>T (p.Arg6Trp)

Gene: PLXNA1 (plexin A1; plus strand). Cytogenetic location: 3q21.3.
Variant type: single nucleotide variant.
Coding change: c.16C>T on transcript NM_032242.4 (MANE Select); coding-DNA position 16, C replaced by T.
Protein change: p.Arg6Trp; replaces arginine 6 with tryptophan.
Molecular consequence: missense variant.
Genome position (GRCh38, 1-based): chr3:126,988,609, C>T. VCF-style: chr3-126988609-C-T. GRCh37 (hg19) VCF-style: chr3-126707452-C-T.
Other names: c.16C>T (NM_032242.3); short protein forms R6W.
Identifiers: ClinVar variation 2713615 (VCV002713615.7), dbSNP rs574438166, ClinGen allele CA2592875.